The following is an entry in ClinVar:

ClinVar aggregate classification (germline): Uncertain significance (1 of 4 stars; one submission).

Submission:

Labcorp Genetics (formerly Invitae), Labcorp
Classification: Uncertain significance. Last evaluated: 2022-06-22. Review status: criteria provided, single submitter. Criteria: Invitae Variant Classification Sherloc (09022015). Collection method: clinical testing. Allele origin: germline.
Comment: In summary, the available evidence is currently insufficient to determine the role of this variant in disease. Therefore, it has been classified as a Variant of Uncertain Significance. This variant has not been reported in the literature in individuals affected with MS4A1-related conditions. This variant is not present in population databases (gnomAD no frequency). This sequence change creates a premature translational stop signal (p.Leu147Phefs*10) in the MS4A1 gene. It is expected to result in an absent or disrupted protein product. However, the current clinical and genetic evidence is not sufficient to establish whether loss-of-function variants in MS4A1 cause disease.

NM_152866.3(MS4A1):c.440dup (p.Leu147fs)

Gene: MS4A1 (membrane spanning 4-domains A1; plus strand). Cytogenetic location: 11q12.2.
Variant type: Duplication.
Coding change: c.440dup on transcript NM_152866.3 (MANE Select); coding-DNA position 440, one base duplicated (T; older notation c.440dupT).
Protein change: p.Leu147fs; shifts the reading frame from leucine 147.
Molecular consequence: frameshift variant.
Genome position (GRCh38, 1-based): chr11:60,466,024, T duplicated; the last of 6 consecutive T bases (chr11:60,466,019-60,466,024); duplicating any one gives the same sequence. VCF-style (leftmost placement, unchanged base first): chr11-60466018-A-AT. GRCh37 (hg19) VCF-style: chr11-60233491-A-AT.
Other names: c.440dup, p.Leu147fs (NM_021950.4, NM_152867.2); short protein forms L147fs.
Identifiers: ClinVar variation 2110000 (VCV002110000.4), dbSNP rs2495410490, ClinGen allele CA2580084338.
Genomic context (GRCh38, chr11:60,466,018, plus strand): 5'-TTGCTGCCATTTCTGGAATGATTCTTTCAATCATGGACATACTTAATATTAAAATTTCCC[A>AT]TTTTTTAAAAATGGAGAGTCTGAATTTTATTAGAGCTCACACACCATATATTAACATATA-3'